The following is an entry in ClinVar:

NM_015512.5(DNAH1):c.6131del (p.Phe2044fs)

Gene: DNAH1 (dynein axonemal heavy chain 1; plus strand). Cytogenetic location: 3p21.1.
Variant type: Deletion.
Coding change: c.6131del on transcript NM_015512.5 (MANE Select); coding-DNA position 6131, one base deleted (T; older notation c.6131delT).
Protein change: p.Phe2044fs; shifts the reading frame from phenylalanine 2044.
Molecular consequence: frameshift variant.
Genome position (GRCh38, 1-based): chr3:52,370,012, T deleted; the last of 2 consecutive T bases (chr3:52,370,011-52,370,012); deleting either gives the same sequence. VCF-style (leftmost placement, unchanged base first): chr3-52370010-CT-C. GRCh37 (hg19) VCF-style: chr3-52404026-CT-C.
Other names: short protein forms F2044fs.
Identifiers: ClinVar variation 996332 (VCV000996332.3), dbSNP rs1703258379, ClinGen allele CA1364824824.

ClinVar aggregate classification (germline): Pathogenic (0 of 4 stars; one submission).

Conditions:
Spermatogenic failure 18. Identifiers: MedGen C4539783, MONDO:0054615, OMIM 617576.

Submission:

Diagnostic Laboratory, Strasbourg University Hospital
Classification: Pathogenic for Spermatogenic failure 18. Last evaluated: 2021-02-09. Review status: no assertion criteria provided. Collection method: clinical testing. Allele origin: inherited. Inheritance: Autosomal recessive inheritance. Affected: yes. Observed: 1 variant allele, 1 compound heterozygote.